The following is an entry in ClinVar:

NM_006502.3(POLH):c.*1364T>A

Gene: POLH (DNA polymerase eta; plus strand). Cytogenetic location: 6p21.1.
Variant type: single nucleotide variant.
Coding change: c.*1364T>A on transcript NM_006502.3 (MANE Select); 1364 bases downstream of the stop codon, T replaced by A.
Molecular consequence: 3 prime UTR variant.
Genome position (GRCh38, 1-based): chr6:43,615,921, T>A. VCF-style: chr6-43615921-T-A. GRCh37 (hg19) VCF-style: chr6-43583658-T-A.
Other names: c.*1364T>A (NM_001291969.2); c.*2190T>A (NM_001291970.2).
Identifiers: ClinVar variation 356941 (VCV000356941.7), dbSNP rs9333565, ClinGen allele CA10626803.

ClinVar aggregate classification (germline): Benign (1 of 4 stars; one submission).

Conditions:
Xeroderma pigmentosum variant type. Also called: POLH-Related Xeroderma Pigmentosum; PHOTOSENSITIVITY WITH DEFECTIVE DNA SYNTHESIS; XERODERMA PIGMENTOSUM WITH NORMAL DNA REPAIR RATES. Identifiers: Orphanet 90342, MedGen C1848410, MONDO:0010214, OMIM 278750.

Allele frequency attached by ClinVar (database versions not stated): 1000 Genomes Project 0.03255; gnomAD 0.03308 and 0.03584; 1000 Genomes Project 30x 0.03654; TOPMed 0.03770.
gnomAD v4.1: 4,995 of 151,994 alleles (3.3%); highest among the groups gnomAD compares: African/African-American, 11%; 269 homozygotes.

Submission:

Illumina Laboratory Services, Illumina
Classification: Benign for Xeroderma pigmentosum variant type. Last evaluated: 2018-01-13. Review status: criteria provided, single submitter. Criteria: ICSL Variant Classification Criteria 13 December 2019. Collection method: clinical testing. Allele origin: germline.
Comment: This variant was observed in the ICSL laboratory as part of a predisposition screen in an ostensibly healthy population. It had not been previously curated by ICSL or reported in the Human Gene Mutation Database (HGMD: prior to June 1st, 2018), and was therefore a candidate for classification through an automated scoring system. Utilizing variant allele frequency, disease prevalence and penetrance estimates, and inheritance mode, an automated score was calculated to assess if this variant is too frequent to cause the disease. Based on the score and internal cut-off values, a variant classified as benign is not then subjected to further curation. The score for this variant resulted in a classification of benign for this disease.